The following is an entry in ClinVar:

NM_015662.3(IFT172):c.2366G>A (p.Arg789Gln)

Gene: IFT172 (intraflagellar transport 172; minus strand). Cytogenetic location: 2p23.3.
Variant type: single nucleotide variant.
Coding change: c.2366G>A on transcript NM_015662.3 (MANE Select); coding-DNA position 2366, G replaced by A.
Protein change: p.Arg789Gln; replaces arginine 789 with glutamine.
Molecular consequence: missense variant.
Genome position (GRCh38, 1-based): chr2:27,461,345, C>T on the plus strand (G>A on the coding strand, the complement: IFT172 is on the minus strand). VCF-style: chr2-27461345-C-T. GRCh37 (hg19) VCF-style: chr2-27684212-C-T.
Other names: c.2366G>A (NM_015662.2); short protein forms R789Q.
Identifiers: ClinVar variation 1083814 (VCV001083814.11), dbSNP rs148237432, ClinGen allele CA1580328.

ClinVar aggregate classification (germline): Likely benign. Review status: criteria provided, single submitter (1 of 4 stars). 2 submissions from 2 submitters: Likely benign (1). 1 of the submissions does not count toward it. Last evaluated 2025-10-14.

Conditions:
Retinitis pigmentosa 71 (RP71). Identifiers: Orphanet 791, MedGen C4225342, MONDO:0014618, OMIM 616394.
Short-rib thoracic dysplasia 10 with or without polydactyly (SRTD10). Identifiers: Orphanet 474, MedGen C3810175, MONDO:0014284, OMIM 615630.
IFT172-related disorder. Also called: IFT172-related condition; IFT172-related disorders.

Allele frequency attached by ClinVar (database versions not stated): ESP Exome Variant Server 0.00008; gnomAD 0.00008; ExAC 0.00020; TOPMed 0.00008.
gnomAD v4.1: 115 of 1,614,020 alleles (0.0071%); highest among the groups gnomAD compares: South Asian, 0.096%; 2 homozygotes.

Submissions (2):

Labcorp Genetics (formerly Invitae), Labcorp
Classification: Likely benign for Retinitis pigmentosa 71; Short-rib thoracic dysplasia 10 with or without polydactyly. Last evaluated: 2025-10-14. Review status: criteria provided, single submitter. Criteria: Invitae Variant Classification Sherloc (09022015). Collection method: clinical testing. Allele origin: germline.

PreventionGenetics, part of Exact Sciences
Classification: Likely benign for IFT172-related condition. Last evaluated: 2021-08-23. Review status: no assertion criteria provided. Collection method: clinical testing. Allele origin: germline. Not counted in ClinVar's aggregate classification.
Comment: This variant is classified as likely benign based on ACMG/AMP sequence variant interpretation guidelines (Richards et al. 2015 PMID: 25741868, with internal and published modifications).